The following is an entry in ClinVar:

ClinVar aggregate classification (germline): Conflicting classifications of pathogenicity. Review status: criteria provided, conflicting classifications (1 of 4 stars). 6 submissions from 6 submitters: Uncertain significance (1); Likely benign (5). Last evaluated 2025-12-07.

Conditions:
Cutis laxa, autosomal recessive, type 1B (ARCL1B). Also called: CUTIS LAXA, AUTOSOMAL RECESSIVE, TYPE IB; EFEMP2-Related Cutis Laxa. Identifiers: Orphanet 90349, MedGen C3280798, MONDO:0013754, OMIM 614437. Disease mechanism: loss of function.
Cardiovascular phenotype. Identifiers: MedGen CN230736.
EFEMP2-related disorder. Also called: EFEMP2-related condition.

Allele frequency attached by ClinVar (database versions not stated): 1000 Genomes Project 30x 0.00031; 1000 Genomes Project 0.00040; ESP Exome Variant Server 0.00042; gnomAD 0.00045; TOPMed 0.00045.
gnomAD v4.1: 111 of 1,551,406 alleles (0.0072%); highest among the groups gnomAD compares: African/African-American, 0.11%; no homozygotes.

Submissions (6):

Labcorp Genetics (formerly Invitae), Labcorp
Classification: Likely benign for Cutis laxa, autosomal recessive, type 1B. Last evaluated: 2025-12-07. Review status: criteria provided, single submitter. Criteria: Invitae Variant Classification Sherloc (09022015). Collection method: clinical testing. Allele origin: germline.

CeGaT Center for Human Genetics Tuebingen
Classification: Likely benign. Last evaluated: 2025-12-01. Review status: criteria provided, single submitter. Criteria: CeGaT Center For Human Genetics Tuebingen Variant Classification Criteria Version 2. Collection method: clinical testing. Allele origin: germline. Affected: yes. Observed: 1 variant allele.
Comment: EFEMP2: BP4, BP7

PreventionGenetics, part of Exact Sciences
Classification: Likely benign for EFEMP2-related condition. Last evaluated: 2024-12-10. Review status: criteria provided, single submitter. Criteria: ACMG Guidelines, 2015. Collection method: clinical testing. Allele origin: germline.
Comment: This variant is classified as likely benign based on ACMG/AMP sequence variant interpretation guidelines (Richards et al. 2015 PMID: 25741868, with internal and published modifications).

Women's Health and Genetics/Laboratory Corporation of America, LabCorp
Classification: Likely benign. Last evaluated: 2023-08-24. Review status: criteria provided, single submitter. Criteria: LabCorp Variant Classification Summary - May 2015. Collection method: clinical testing. Allele origin: germline.

Ambry Genetics
Classification: Likely benign for Cardiovascular phenotype. Last evaluated: 2019-08-20. Review status: criteria provided, single submitter. Criteria: Ambry Variant Classification Scheme 2023. Collection method: clinical testing. Allele origin: germline.

Illumina Laboratory Services, Illumina
Classification: Uncertain significance for Cutis laxa, autosomal recessive, type 1B. Last evaluated: 2018-01-12. Review status: criteria provided, single submitter. Criteria: ICSL Variant Classification Criteria 13 December 2019. Collection method: clinical testing. Allele origin: germline.

NM_016938.5(EFEMP2):c.99C>T (p.Pro33=)

Gene: EFEMP2 (EGF-like fibulin extracellular matrix protein 2; minus strand). Cytogenetic location: 11q13.1.
Variant type: single nucleotide variant.
Coding change: c.99C>T on transcript NM_016938.5 (MANE Select); coding-DNA position 99, C replaced by T.
Protein change: p.Pro33=; no amino-acid change (proline 33 retained).
Molecular consequence: synonymous variant. On other transcripts: non-coding transcript variant (1).
Genome position (GRCh38, 1-based): chr11:65,872,256, G>A on the plus strand (C>T on the coding strand, the complement: EFEMP2 is on the minus strand). VCF-style: chr11-65872256-G-A. GRCh37 (hg19) VCF-style: chr11-65639727-G-A.
Identifiers: ClinVar variation 305386 (VCV000305386.27), dbSNP rs140946753, ClinGen allele CA6110789.